The following is an entry in ClinVar:

NM_007294.4(BRCA1):c.5044G>A (p.Glu1682Lys)

Gene: BRCA1 (BRCA1 DNA repair associated; minus strand). Cytogenetic location: 17q21.31.
Variant type: single nucleotide variant.
Coding change: c.5044G>A on transcript NM_007294.4 (MANE Select); coding-DNA position 5044, G replaced by A.
Protein change: p.Glu1682Lys; replaces glutamic acid 1682 with lysine.
Molecular consequence: missense variant. On other transcripts: non-coding transcript variant (1).
Genome position (GRCh38, 1-based): chr17:43,067,638, C>T on the plus strand (G>A on the coding strand, the complement: BRCA1 is on the minus strand). VCF-style: chr17-43067638-C-T. GRCh37 (hg19) VCF-style: chr17-41219655-C-T.
Other names: 5163G>A; c.4900G>A, p.Glu1634Lys (NM_001407736.1, NM_001407737.1, NM_001407738.1 and 21 more transcripts); c.4831G>A, p.Glu1611Lys (NM_001407904.1, NM_001407906.1, NM_001407907.1 and 12 more transcripts); c.4828G>A, p.Glu1610Lys (NM_001407915.1, NM_001407916.1, NM_001407917.1 and 1 more transcripts); c.4777G>A, p.Glu1593Lys (NM_001407928.1, NM_001407929.1, NM_001407930.1 and 4 more transcripts); c.4774G>A, p.Glu1592Lys (NM_001407934.1, NM_001407935.1, NM_001407936.1); c.4921G>A, p.Glu1641Lys (NM_001407937.1, NM_001407664.1, NM_001407665.1 and 6 more transcripts); c.4711G>A, p.Glu1571Lys (NM_001407947.1, NM_001407948.1, NM_001407949.1 and 1 more transcripts); and 71 more; short protein forms E1682K, E1635K, E1703K, E578K, E1513K, E1569K, E1594K, E1610K.
Identifiers: ClinVar variation 55361 (VCV000055361.21), dbSNP rs80356958, ClinGen allele CA003171.
Genomic context (GRCh38, chr17:43,067,638, plus strand): 5'-CAAGGTATTCTGTAAAGGTTCTTGGTATACCTGTTTTCATAACAACATGAGTAGTCTCTT[C>T]AGTAATTAGATTAGTTAAAGTGATGTGGTGTTTTCTGGCAAACTTGTACACGAGCATCTG-3'
Protein context (NP_009225.1, residues 1672-1692): HHITLTNLIT[Glu1682Lys]ETTHVVMKTD

ClinVar aggregate classification (germline): Benign. Review status: reviewed by expert panel (3 of 4 stars). 6 submissions from 6 submitters: Benign (1). 5 of the submissions do not count toward it. Last evaluated 2015-08-10.

Conditions:
Hereditary cancer-predisposing syndrome. Also called: Hereditary Cancer Syndrome; Hereditary neoplastic syndrome; Neoplastic Syndromes, Hereditary; Tumor predisposition. Identifiers: Orphanet 140162, MedGen C0027672, MeSH D009386, MONDO:0015356.
Hereditary breast ovarian cancer syndrome. Also called: BRCA1- and BRCA2-Associated Hereditary Breast and Ovarian Cancer; Hereditary breast and ovarian cancer syndrome; Hereditary breast and ovarian cancer syndrome (HBOC); Breast and ovarian cancer; Hereditary breast and/or ovarian cancer syndrome; Hereditary breast and ovarian cancer. Identifiers: Orphanet 145, MedGen C0677776, MeSH D061325, MONDO:0003582. Disease mechanism: loss of function.
Breast-ovarian cancer, familial, susceptibility to, 1 (BROVCA1). Also called: BRCA1 Hereditary Breast and Ovarian Cancer; OVARIAN CANCER, SUSCEPTIBILITY TO. Identifiers: Orphanet 145, MedGen C2676676, MONDO:0011450, OMIM 604370. Disease mechanism: loss of function.

Submissions (7):

Evidence-based Network for the Interpretation of Germline Mutant Alleles (ENIGMA)
Classification: Benign for Breast-ovarian cancer, familial 1. Last evaluated: 2015-08-10. Review status: reviewed by expert panel. Criteria: ENIGMA BRCA1/2 Classification Criteria (2015). Collection method: curation. Allele origin: germline.
Comment: IARC class based on posterior probability from multifactorial likelihood analysis, thresholds for class as per Plon et al. 2008 (PMID: 18951446). Class 1 based on posterior probability = 0.0000976

Ambry Genetics
Classification: Uncertain significance for Hereditary cancer-predisposing syndrome. Last evaluated: 2025-10-06. Review status: criteria provided, single submitter. Criteria: Ambry Variant Classification Scheme 2023. Collection method: clinical testing. Allele origin: germline. Not counted in ClinVar's aggregate classification.
Comment: The p.E1682K variant (also known as c.5044G>A), located in coding exon 15 of the BRCA1 gene, results from a G to A substitution at nucleotide position 5044. The glutamic acid at codon 1682 is replaced by lysine, an amino acid with similar properties. This alteration has been reported to be found in trans with another BRCA1 pathogenic mutation (Judkins T et al. Cancer Res, 2005 Nov;65:10096-103). Multifactorial analyses determined that this alteration to be benign (Easton DF et al. Am J Hum Genet, 2007 Nov;81:873-83; Lindor NM et al. Hum Mutat, 2012 Jan;33:8-21). One protein functional study determined that this alteration was functional in protease sensitivity, peptide binding, peptide binding specificity, and transcriptional activity assays (Lee MS et al. Cancer Res, 2010 Jun;70:4880-90). One functional study found that this nucleotide substitution is non-functional in a high-throughput, genome editing, haploid cell survival assay and was measured to have a decrease in mRNA expression (Findlay GM et al. Nature, 2018 10;562:217-222). This nucleotide position is highly conserved in available vertebrate species. In silico splice site analysis predicts that this alteration will weaken the native splice donor site. RNA studies have demonstrated that this alteration results in an incomplete splice defect; the clinical impact of this abnormal splicing is unknown at this time (Ambry internal data). This amino acid position is well conserved in available vertebrate species. In addition, the in silico prediction for this alteration is inconclusive. Based on the available evidence, the clinical significance of this variant remains unclear.

Women's Health and Genetics/Laboratory Corporation of America, LabCorp
Classification: Uncertain significance. Last evaluated: 2023-11-30. Review status: criteria provided, single submitter. Criteria: LabCorp Variant Classification Summary - May 2015. Collection method: clinical testing. Allele origin: germline. Not counted in ClinVar's aggregate classification.
Comment: Variant summary: BRCA1 c.5044G>A (p.Glu1682Lys) results in a conservative amino acid change in BRCT domain (IPR001357) of the encoded protein sequence. Three of five in-silico tools predict a benign effect of the variant on protein function. The variant was absent in 251368 control chromosomes. The available data on variant occurrences in the general population are insufficient to allow any conclusion about variant significance. c.5044G>A has been reported in the literature in unspecified individual(s) who underwent clinical BRCA1 screening, without strong evidence for causality (example, Judkins_2005). These report(s) do not provide unequivocal conclusions about association of the variant with Hereditary Breast And Ovarian Cancer Syndrome. Co-occurrence with at-least one pathogenic variant, at a homozygous state has been reported (BRCA1 c.3048_3052dup, p.Asn1018fs), providing supporting evidence for a benign role (described as c.3171ins5 by Judkins_2005). At least one publication reports experimental evidence evaluating an impact on protein function. Two of which showed no damaging effect of this variant on protein levels, colony formation, protease sensitivity, binding activity, transcription activity and structural stability in yeast or mammalian cells (Lee_2010, Thouvenot_2016). Meanwhile, a functional study via a high-throughput, genome editing, haploid cell survival assay evaluated this variant loss-of-function based on a decrease in mRNA expression (Findlay_2018). The following publications have been ascertained in the context of this evaluation (PMID: 30209399, 16267036, 20516115, 27272900). Four submitters have cited clinical-significance assessments for this variant to ClinVar after 2014 (Benign, n=1, Likely benign, n=2, VUS, n=1). Based on the evidence outlined above, the variant was classified as VUS-possibly benign.

Labcorp Genetics (formerly Invitae), Labcorp
Classification: Likely benign for Hereditary breast ovarian cancer syndrome. Last evaluated: 2019-03-12. Review status: criteria provided, single submitter. Criteria: Invitae Variant Classification Sherloc (09022015). Collection method: clinical testing. Allele origin: germline. Not counted in ClinVar's aggregate classification.

GeneDx
Classification: Likely benign. Last evaluated: 2017-03-22. Review status: criteria provided, single submitter. Criteria: GeneDx Variant Classification (06012015). Collection method: clinical testing. Allele origin: germline. Affected: yes. Not counted in ClinVar's aggregate classification.
Comment: This variant is considered likely benign or benign based on one or more of the following criteria: it is a conservative change, it occurs at a poorly conserved position in the protein, it is predicted to be benign by multiple in silico algorithms, and/or has population frequency not consistent with disease.

Breast Cancer Information Core (BIC) (BRCA1)
Classification: Uncertain significance for Breast-ovarian cancer, familial 1. Last evaluated: 2002-06-20. Review status: no assertion criteria provided. Collection method: clinical testing. Allele origin: germline. Affected: yes. Observed: 2 variant alleles. Not counted in ClinVar's aggregate classification.

Brotman Baty Institute, University of Washington
No classification provided (evidence only). Condition: Breast-ovarian cancer, familial 1. Review status: no classification provided. Collection method: in vitro. Allele origin: not applicable. Functional consequence: functionally_abnormal. Not counted in ClinVar's aggregate classification.
ClinVar note: "not provided" was previously submitted as the classification for the variant. However, the classification appeared to be based only on an observation of functional data so it was converted to no classification on 2025-07-30.

Literature cited by the submitters: PubMed 21990134 (cited by Evidence-based Network for the Interpretation of Germline Mutant Alleles (ENIGMA) and Ambry Genetics); PubMed 16267036 (cited by Ambry Genetics and Women's Health and Genetics/Laboratory Corporation of America, LabCorp); PubMed 17924331 (cited by Ambry Genetics); PubMed 20516115 (cited by Ambry Genetics and Women's Health and Genetics/Laboratory Corporation of America, LabCorp); PubMed 30209399 (cited by Ambry Genetics and Women's Health and Genetics/Laboratory Corporation of America, LabCorp); PubMed 27272900 (cited by Women's Health and Genetics/Laboratory Corporation of America, LabCorp).